The following is an entry in ClinVar:

ClinVar aggregate classification (germline): Uncertain significance. Review status: criteria provided, multiple submitters, no conflicts (2 of 4 stars). 2 submissions from 2 submitters: Uncertain significance (2). Last evaluated 2017-11-20.

Allele frequency attached by ClinVar (database versions not stated): ExAC 0.00001.

Submissions (2):

Athena Diagnostics
Classification: Uncertain significance. Last evaluated: 2017-11-20. Review status: criteria provided, single submitter. Criteria: Athena Diagnostics Criteria. Collection method: clinical testing. Allele origin: germline.

GeneDx
Classification: Uncertain significance. Last evaluated: 2014-07-25. Review status: criteria provided, single submitter. Criteria: GeneDx Variant Classification (06012015). Collection method: clinical testing. Allele origin: germline. Affected: yes.
Comment: This variant is denoted p.Ser254Ala (TCC>GCC): c.760 T>G in exon 2 of the KANSL1 gene (NM_001193466.1). The S254A variant has not been published as a mutation, nor has it been reported as a benign polymorphism to our knowledge. It was not observed in approximately 6,500 individuals of European and African American ancestry in the NHLBI Exome Sequencing Project, indicating it is not a common benign variant in these populations. The S254A variant is a non-conservative amino acid substitution, which is likely to impact secondary protein structure as these residues differ in polarity, charge, size and/or other properties. However, this substitution occurs at a position that is not conserved across species, and in silico analysis predicts this variant likely does not alter the protein structure/function. In addition, missense mutations have not been reported in association with epilepsy. Therefore, based on the currently available information, it is unclear whether this variant is a pathogenic mutation or a rare benign variant. The variant is found in CHILD-EPI panel(s).

NM_015443.4(KANSL1):c.760T>G (p.Ser254Ala)

Gene: KANSL1 (KAT8 regulatory NSL complex subunit 1). Cytogenetic location: 17q21.31.
Variant type: single nucleotide variant.
Coding change: c.760T>G on transcript NM_015443.4 (MANE Select); coding-DNA position 760, T replaced by G.
Protein change: p.Ser254Ala; replaces serine 254 with alanine.
Molecular consequence: missense variant.
Genome position (GRCh38, 1-based): chr17:46,171,384, A>C on the plus strand (T>G on the coding strand, the complement: KANSL1 is on the minus strand). VCF-style: chr17-46171384-A-C. GRCh37 (hg19) VCF-style: chr17-44248750-A-C.
Other names: p.S254A:TCC>GCC; c.760T>G, p.Ser254Ala (NM_001193465.2, NM_001193466.2, NM_001379198.1); short protein forms S254A.
Identifiers: ClinVar variation 205807 (VCV000205807.3), dbSNP rs780074451, ClinGen allele CA315241.
Genomic context (GRCh38, chr17:46,171,384, plus strand): 5'-GAATGGAAGACAGGGGAGACTTTTTACCCTCCAATTTGACACCCCCCAAGTTAGAGCTGG[A>C]GTCTGTACCAGGTGATAATCTACTGCTTCCTTGAAGTGCCGGCTGTTCCATGGAATTGAC-3'
Protein context (NP_056258.1, residues 244-264): GSSRLSPGTD[Ser254Ala]SSNLGGVKLE